The following is an entry in ClinVar:

NM_022051.3(EGLN1):c.470A>C (p.Gln157Pro)

Gene: EGLN1 (egl-9 family hypoxia inducible factor 1; minus strand). Cytogenetic location: 1q42.2.
Variant type: single nucleotide variant.
Coding change: c.470A>C on transcript NM_022051.3 (MANE Select); coding-DNA position 470, A replaced by C.
Protein change: p.Gln157Pro; replaces glutamine 157 with proline.
Molecular consequence: missense variant.
Genome position (GRCh38, 1-based): chr1:231,421,419, T>G on the plus strand (A>C on the coding strand, the complement: EGLN1 is on the minus strand). VCF-style: chr1-231421419-T-G. GRCh37 (hg19) VCF-style: chr1-231557165-T-G.
Other names: c.470A>C, p.Gln157Pro (NM_001377260.1, NM_001377261.1); short protein forms Q157P.
Identifiers: ClinVar variation 3507215 (VCV003507215.1).

ClinVar aggregate classification (germline): Uncertain significance (1 of 4 stars; one submission).

Submission:

Ambry Genetics
Classification: Uncertain significance. Last evaluated: 2024-08-19. Review status: criteria provided, single submitter. Criteria: Ambry Variant Classification Scheme 2023. Collection method: clinical testing. Allele origin: germline.
Comment: The p.Q157P variant (also known as c.470A>C), located in coding exon 1 of the EGLN1 gene, results from an A to C substitution at nucleotide position 470. The glutamine at codon 157 is replaced by proline, an amino acid with similar properties. This amino acid position is conserved. In addition, this alteration is predicted to be tolerated by in silico analysis. Based on the available evidence, the clinical significance of this variant remains unclear.